The following is an entry in ClinVar:

ClinVar aggregate classification (germline): Pathogenic (1 of 4 stars; one submission).

Conditions:
Episodic ataxia type 2 (EA2). Also called: CEREBELLAR ATAXIA, PAROXYSMAL, ACETAZOLAMIDE-RESPONSIVE; CEREBELLOPATHY, HEREDITARY PAROXYSMAL; EPISODIC ATAXIA, NYSTAGMUS-ASSOCIATED; ACETAZOLAMIDE-RESPONSIVE HEREDITARY PAROXYSMAL CEREBELLAR ATAXIA; ATAXIA, EPISODIC, WITH NYSTAGMUS; ATAXIA, FAMILIAL PAROXYSMAL. Identifiers: Orphanet 97, MedGen C1720416, MONDO:0007163, OMIM 108500.
Developmental and epileptic encephalopathy, 42 (DEE42A). Also called: Epileptic encephalopathy, early infantile, 42; DEVELOPMENTAL AND EPILEPTIC ENCEPHALOPATHY 42A; EPILEPTIC ENCEPHALOPATHY, EARLY INFANTILE, 42A. Identifiers: MedGen C4310716, MONDO:0014917, OMIM 617106.

Submission:

Labcorp Genetics (formerly Invitae), Labcorp
Classification: Pathogenic for Developmental and epileptic encephalopathy, 42; Episodic ataxia type 2. Last evaluated: 2023-09-17. Review status: criteria provided, single submitter. Criteria: Invitae Variant Classification Sherloc (09022015). Collection method: clinical testing. Allele origin: germline.
Comment: For these reasons, this variant has been classified as Pathogenic. This variant has not been reported in the literature in individuals affected with CACNA1A-related conditions. Information on the frequency of this variant in the gnomAD database is not available, as this variant may be reported differently in the database. This sequence change creates a premature translational stop signal (p.Gln829*) in the CACNA1A gene. It is expected to result in an absent or disrupted protein product. Loss-of-function variants in CACNA1A are known to be pathogenic (PMID: 10371528, 19486177, 25735478, 27250579).

Literature cited by the submitters: PubMed 10371528; PubMed 19486177; PubMed 25735478; PubMed 27250579.

NM_001127222.2(CACNA1A):c.2481_2482delinsTT (p.Gln828Ter)

Gene: CACNA1A (calcium voltage-gated channel subunit alpha1 A; minus strand). Cytogenetic location: 19p13.13.
Variant type: Indel.
Coding change: c.2481_2482delinsTT on transcript NM_001127222.2 (MANE Select); coding-DNA positions 2481 to 2482, GC replaced by TT.
Protein change: p.Gln828Ter; replaces glutamine 828 with a stop codon.
Molecular consequence: nonsense.
Genome position (GRCh38, 1-based): chr19:13,299,151-13,299,152, GC replaced by AA on the plus strand (GC replaced by TT on the coding strand, the reverse complement: CACNA1A is on the minus strand). VCF-style: chr19-13299151-GC-AA. GRCh37 (hg19) VCF-style: chr19-13409965-GC-AA.
Other names: c.2493_2494delinsTT, p.Gln832Ter (NM_000068.4, NM_023035.3); c.2484_2485delinsTT, p.Gln829Ter (NM_001127221.2, NM_001174080.2); short protein forms Q832*, Q829*, Q828*.
Identifiers: ClinVar variation 2939453 (VCV002939453.3), dbSNP rs2512909792, ClinGen allele CA2740091944.